The following is an entry in ClinVar:

NM_003482.4(KMT2D):c.9169C>A (p.Leu3057Met)

Gene: KMT2D (lysine methyltransferase 2D; minus strand). Cytogenetic location: 12q13.12.
Variant type: single nucleotide variant.
Coding change: c.9169C>A on transcript NM_003482.4 (MANE Select); coding-DNA position 9169, C replaced by A.
Protein change: p.Leu3057Met; replaces leucine 3057 with methionine.
Molecular consequence: missense variant.
Genome position (GRCh38, 1-based): chr12:49,038,187, G>T on the plus strand (C>A on the coding strand, the complement: KMT2D is on the minus strand). VCF-style: chr12-49038187-G-T. GRCh37 (hg19) VCF-style: chr12-49431970-G-T.
Other names: short protein forms L3057M.
Identifiers: ClinVar variation 4763359 (VCV004763359.1).

ClinVar aggregate classification (germline): Uncertain significance (1 of 4 stars; one submission).

Conditions:
Kabuki syndrome. Also called: NIIKAWA-KUROKI SYNDROME; Kabuki make-up syndrome. Identifiers: Orphanet 2322, MedGen C0796004, MONDO:0016512.

gnomAD v4.1: 16 of 1,613,852 alleles (0.00099%); highest among the groups gnomAD compares: Non-Finnish European, 0.0014%; no homozygotes.

Submission:

Labcorp Genetics (formerly Invitae), Labcorp
Classification: Uncertain significance for Kabuki syndrome. Last evaluated: 2025-08-11. Review status: criteria provided, single submitter. Criteria: Invitae Variant Classification Sherloc (09022015). Collection method: clinical testing. Allele origin: germline.
Comment: This sequence change replaces leucine, which is neutral and non-polar, with methionine, which is neutral and non-polar, at codon 3057 of the KMT2D protein (p.Leu3057Met). This variant is present in population databases (rs764475091, gnomAD 0.0009%). This variant has not been reported in the literature in individuals affected with KMT2D-related conditions. Invitae Evidence Modeling of protein sequence and biophysical properties (such as structural, functional, and spatial information, amino acid conservation, physicochemical variation, residue mobility, and thermodynamic stability) indicates that this missense variant is expected to disrupt KMT2D protein function with a positive predictive value of 80%. In summary, the available evidence is currently insufficient to determine the role of this variant in disease. Therefore, it has been classified as a Variant of Uncertain Significance.